The following is an entry in ClinVar:

NM_053025.4(MYLK):c.1736G>A (p.Gly579Asp)

Gene: MYLK (myosin light chain kinase; minus strand). Cytogenetic location: 3q21.1.
Variant type: single nucleotide variant.
Coding change: c.1736G>A on transcript NM_053025.4 (MANE Select); coding-DNA position 1736, G replaced by A.
Protein change: p.Gly579Asp; replaces glycine 579 with aspartic acid.
Molecular consequence: missense variant.
Genome position (GRCh38, 1-based): chr3:123,722,196, C>T on the plus strand (G>A on the coding strand, the complement: MYLK is on the minus strand). VCF-style: chr3-123722196-C-T. GRCh37 (hg19) VCF-style: chr3-123441043-C-T.
Other names: c.1208G>A, p.Gly403Asp (NM_001321309.2); c.1529G>A, p.Gly510Asp (NM_053026.4, NM_053028.4); c.1736G>A, p.Gly579Asp (NM_053027.4); short protein forms G403D, G510D, G579D.
Identifiers: ClinVar variation 3627755 (VCV003627755.2).

ClinVar aggregate classification (germline): Uncertain significance (1 of 4 stars; one submission).

Conditions:
Aortic aneurysm, familial thoracic 7 (AAT7). Also called: AORTIC DISSECTION, FAMILIAL, WITH OR WITHOUT AORTIC ANEURYSM. Identifiers: MedGen C3151077, MONDO:0013418, OMIM 613780.

Submission:

Labcorp Genetics (formerly Invitae), Labcorp
Classification: Uncertain significance for Aortic aneurysm, familial thoracic 7. Last evaluated: 2024-10-22. Review status: criteria provided, single submitter. Criteria: Invitae Variant Classification Sherloc (09022015). Collection method: clinical testing. Allele origin: germline.
Comment: This sequence change replaces glycine, which is neutral and non-polar, with aspartic acid, which is acidic and polar, at codon 579 of the MYLK protein (p.Gly579Asp). This variant is not present in population databases (gnomAD no frequency). This variant has not been reported in the literature in individuals affected with MYLK-related conditions. Invitae Evidence Modeling of protein sequence and biophysical properties (such as structural, functional, and spatial information, amino acid conservation, physicochemical variation, residue mobility, and thermodynamic stability) indicates that this missense variant is not expected to disrupt MYLK protein function with a negative predictive value of 80%. In summary, the available evidence is currently insufficient to determine the role of this variant in disease. Therefore, it has been classified as a Variant of Uncertain Significance.